The following is an entry in ClinVar:

NM_018718.3(CEP41):c.831C>G (p.Ala277=)

Gene: CEP41 (centrosomal protein 41; minus strand). Cytogenetic location: 7q32.2.
Variant type: single nucleotide variant.
Coding change: c.831C>G on transcript NM_018718.3 (MANE Select); coding-DNA position 831, C replaced by G.
Protein change: p.Ala277=; no amino-acid change (alanine 277 retained).
Molecular consequence: synonymous variant. On other transcripts: non-coding transcript variant (1), intron variant (2).
Genome position (GRCh38, 1-based): chr7:130,400,181, G>C on the plus strand (C>G on the coding strand, the complement: CEP41 is on the minus strand). VCF-style: chr7-130400181-G-C. GRCh37 (hg19) VCF-style: chr7-130040022-G-C.
Other names: c.709+526C>G (NM_001257159.2); c.757+526C>G (NM_001257158.2); c.831C>G (NM_018718.2).
Identifiers: ClinVar variation 2194034 (VCV002194034.6), dbSNP rs782120276, ClinGen allele CA4485452.

ClinVar aggregate classification (germline): Likely benign. Review status: criteria provided, single submitter (1 of 4 stars). 2 submissions from 2 submitters: Likely benign (1). 1 of the submissions does not count toward it. Last evaluated 2024-07-15.

Conditions:
Joubert syndrome 15 (JBTS15). Identifiers: Orphanet 475, MedGen C3280897, MONDO:0013763, OMIM 614464.
CEP41-related disorder. Also called: CEP41-related condition.

Allele frequency attached by ClinVar (database versions not stated): ExAC 0.00001; TOPMed 0.00002; gnomAD 0.00003; gnomAD exomes 0.00006.
gnomAD v4.1: 83 of 1,613,838 alleles (0.0051%); highest among the groups gnomAD compares: Non-Finnish European, 0.0069%; no homozygotes.

Submissions (2):

Labcorp Genetics (formerly Invitae), Labcorp
Classification: Likely benign for Joubert syndrome 15. Last evaluated: 2024-07-15. Review status: criteria provided, single submitter. Criteria: Invitae Variant Classification Sherloc (09022015). Collection method: clinical testing. Allele origin: germline.

PreventionGenetics, part of Exact Sciences
Classification: Likely benign for CEP41-related condition. Last evaluated: 2019-03-10. Review status: no assertion criteria provided. Collection method: clinical testing. Allele origin: germline. Not counted in ClinVar's aggregate classification.
Comment: This variant is classified as likely benign based on ACMG/AMP sequence variant interpretation guidelines (Richards et al. 2015 PMID: 25741868, with internal and published modifications).